The following is an entry in ClinVar:

NM_004370.6(COL12A1):c.7962_7964del (p.Val2655del)

Gene: COL12A1 (collagen type XII alpha 1 chain; minus strand). Cytogenetic location: 6q13.
Variant type: Deletion.
Coding change: c.7962_7964del on transcript NM_004370.6 (MANE Select); coding-DNA positions 7962 to 7964, 3 bases deleted (AGT; older notation c.7962_7964delAGT).
Protein change: p.Val2655del; deletes valine 2655.
Genome position (GRCh38, 1-based): chr6:75,109,154-75,109,156, ACT deleted on the plus strand (AGT on the coding strand, the reverse complement: COL12A1 is on the minus strand); deleting any 3 consecutive bases within chr6:75,109,154-75,109,158 gives the same sequence; the c. name uses the placement nearest the transcript's 3' end. VCF-style (leftmost placement, unchanged base first): chr6-75109153-CACT-C. GRCh37 (hg19) VCF-style: chr6-75818869-CACT-C.
Other names: c.7962_7964del, p.Val2655del (NM_001424113.1); c.7941_7943del, p.Val2648del (NM_001424114.1); c.7689_7691del, p.Val2564del (NM_001424115.1); c.4470_4472del, p.Val1491del (NM_001424116.1, NM_080645.3); short protein forms V2564del, V2648del, V2655del, V1491del.
Identifiers: ClinVar variation 4786367 (VCV004786367.1).

ClinVar aggregate classification (germline): Uncertain significance (1 of 4 stars; one submission).

Conditions:
Ullrich congenital muscular dystrophy 2 (UCMD2). Identifiers: Orphanet 75840, MedGen C4225314, MONDO:0014654, OMIM 616470.
Bethlem myopathy 2 (BTHLM2). Identifiers: Orphanet 536516, Orphanet 610, MedGen C4225313, MONDO:0034022, OMIM 616471.

Submission:

Labcorp Genetics (formerly Invitae), Labcorp
Classification: Uncertain significance for Bethlem myopathy 2; Ullrich congenital muscular dystrophy 2. Last evaluated: 2025-10-20. Review status: criteria provided, single submitter. Criteria: Invitae Variant Classification Sherloc (09022015). Collection method: clinical testing. Allele origin: germline.
Comment: This variant, c.7962_7964del, results in the deletion of 1 amino acid(s) of the COL12A1 protein (p.Val2655del), but otherwise preserves the integrity of the reading frame. This variant is not present in population databases (gnomAD no frequency). This variant has not been reported in the literature in individuals affected with COL12A1-related conditions. In summary, the available evidence is currently insufficient to determine the role of this variant in disease. Therefore, it has been classified as a Variant of Uncertain Significance.